The following is an entry in ClinVar:

ClinVar aggregate classification (germline): Uncertain significance (1 of 4 stars; one submission).

Submission:

Labcorp Genetics (formerly Invitae), Labcorp
Classification: Uncertain significance. Last evaluated: 2022-04-07. Review status: criteria provided, single submitter. Criteria: Invitae Variant Classification Sherloc (09022015). Collection method: clinical testing. Allele origin: germline.
Comment: Experimental studies and prediction algorithms are not available or were not evaluated, and the functional significance of this variant is currently unknown. In summary, the available evidence is currently insufficient to determine the role of this variant in disease. Therefore, it has been classified as a Variant of Uncertain Significance. This variant has not been reported in the literature in individuals affected with GGCX-related conditions. This sequence change creates a premature translational stop signal (p.Tyr690Cysfs*39) in the GGCX gene. While this is not anticipated to result in nonsense mediated decay, it is expected to disrupt the last 69 amino acid(s) of the GGCX protein. This variant is present in population databases (rs765866339, gnomAD 0.02%).

NM_000821.7(GGCX):c.2069_2070del (p.Tyr690fs)

Gene: GGCX (gamma-glutamyl carboxylase; minus strand). Cytogenetic location: 2p11.2.
Variant type: Deletion.
Coding change: c.2069_2070del on transcript NM_000821.7 (MANE Select); coding-DNA positions 2069 to 2070, 2 bases deleted (AT; older notation c.2069_2070delAT).
Protein change: p.Tyr690fs; shifts the reading frame from tyrosine 690.
Molecular consequence: frameshift variant.
Genome position (GRCh38, 1-based): chr2:85,550,569-85,550,570, AT deleted on the plus strand (AT on the coding strand, the reverse complement: GGCX is on the minus strand); deleting any 2 consecutive bases within chr2:85,550,569-85,550,571 gives the same sequence; the c. name uses the placement nearest the transcript's 3' end. VCF-style (leftmost placement, unchanged base first): chr2-85550568-CAT-C. GRCh37 (hg19) VCF-style: chr2-85777691-CAT-C.
Other names: c.1898_1899del, p.Tyr633fs (NM_001142269.4); short protein forms Y633fs, Y690fs.
Identifiers: ClinVar variation 2187333 (VCV002187333.2), dbSNP rs765866339, ClinGen allele CA1741650.